The following is an entry in ClinVar:

ClinVar aggregate classification (germline): Uncertain significance. Review status: criteria provided, multiple submitters, no conflicts (2 of 4 stars). 2 submissions from 2 submitters: Uncertain significance (2). Last evaluated 2024-02-23.

Submissions (2):

GeneDx
Classification: Uncertain significance. Last evaluated: 2024-02-23. Review status: criteria provided, single submitter. Criteria: GeneDx Variant Classification Process June 2021. Collection method: clinical testing. Allele origin: germline. Affected: yes.
Comment: Not observed at significant frequency in large population cohorts (gnomAD); In silico analysis supports that this missense variant does not alter protein structure/function; Has not been previously published as pathogenic or benign to our knowledge

Labcorp Genetics (formerly Invitae), Labcorp
Classification: Uncertain significance. Last evaluated: 2023-11-25. Review status: criteria provided, single submitter. Criteria: Invitae Variant Classification Sherloc (09022015). Collection method: clinical testing. Allele origin: germline.
Comment: This sequence change replaces tyrosine, which is neutral and polar, with asparagine, which is neutral and polar, at codon 117 of the YWHAG protein (p.Tyr117Asn). This variant is not present in population databases (gnomAD no frequency). This variant has not been reported in the literature in individuals affected with YWHAG-related conditions. ClinVar contains an entry for this variant (Variation ID: 1717817). Advanced modeling of protein sequence and biophysical properties (such as structural, functional, and spatial information, amino acid conservation, physicochemical variation, residue mobility, and thermodynamic stability) performed at Invitae indicates that this missense variant is not expected to disrupt YWHAG protein function with a negative predictive value of 80%. In summary, the available evidence is currently insufficient to determine the role of this variant in disease. Therefore, it has been classified as a Variant of Uncertain Significance.

NM_012479.4(YWHAG):c.349T>A (p.Tyr117Asn)

Gene: YWHAG (tyrosine 3-monooxygenase/tryptophan 5-monooxygenase activation protein gamma; minus strand). Cytogenetic location: 7q11.23.
Variant type: single nucleotide variant.
Coding change: c.349T>A on transcript NM_012479.4 (MANE Select); coding-DNA position 349, T replaced by A.
Protein change: p.Tyr117Asn; replaces tyrosine 117 with asparagine.
Molecular consequence: missense variant.
Genome position (GRCh38, 1-based): chr7:76,329,972, A>T on the plus strand (T>A on the coding strand, the complement: YWHAG is on the minus strand). VCF-style: chr7-76329972-A-T. GRCh37 (hg19) VCF-style: chr7-75959289-A-T.
Other names: c.349T>A (NM_012479.3); short protein forms Y117N.
Identifiers: ClinVar variation 1717817 (VCV001717817.6), dbSNP rs2536181076, ClinGen allele CA367777568.
Genomic context (GRCh38, chr7:76,329,972, plus strand): 5'-CTTCAGCCAGGTAGCGGTAGTAGTCCCCTTTCATCTTCAGGTAGAACACTTTGCTCTCGT[A>T]CTGGGTCTCGCTGCAATTCTTGATCAGGTAGTTATCCAGCAGGCTCAGCACATCCTGGCA-3'
Protein context (NP_036611.2, residues 107-127): YLIKNCSETQ[Tyr117Asn]ESKVFYLKMK